The following is an entry in ClinVar:

NM_031372.4(HNRNPDL):c.1130A>G (p.Tyr377Cys)

Gene: HNRNPDL (heterogeneous nuclear ribonucleoprotein D like; minus strand). Cytogenetic location: 4q21.22.
Variant type: single nucleotide variant.
Coding change: c.1130A>G on transcript NM_031372.4 (MANE Select); coding-DNA position 1130, A replaced by G.
Protein change: p.Tyr377Cys; replaces tyrosine 377 with cysteine.
Molecular consequence: missense variant. On other transcripts: non-coding transcript variant (1), intron variant (1).
Genome position (GRCh38, 1-based): chr4:82,426,525, T>C on the plus strand (A>G on the coding strand, the complement: HNRNPDL is on the minus strand). VCF-style: chr4-82426525-T-C. GRCh37 (hg19) VCF-style: chr4-83347678-T-C.
Other names: c.1022-396A>G (NM_001207000.1); short protein forms Y377C.
Identifiers: ClinVar variation 2997902 (VCV002997902.3), dbSNP rs2530010766, ClinGen allele CA357168676.

ClinVar aggregate classification (germline): Uncertain significance (1 of 4 stars; one submission).

Conditions:
Autosomal dominant limb-girdle muscular dystrophy type 1G (LGMDD3). Also called: Limb-girdle muscular dystrophy, type 1G; MUSCULAR DYSTROPHY, LIMB-GIRDLE, AUTOSOMAL DOMINANT 3. Identifiers: Orphanet 55596, MedGen C1836765, MONDO:0012193, OMIM 609115.

Allele frequency attached by ClinVar (database versions not stated): gnomAD exomes below 0.00001.
gnomAD v4.1: 4 of 1,613,036 alleles (0.00025%); highest among the groups gnomAD compares: Non-Finnish European, 0.00034%; no homozygotes.

Submission:

Labcorp Genetics (formerly Invitae), Labcorp
Classification: Uncertain significance for Autosomal dominant limb-girdle muscular dystrophy type 1G. Last evaluated: 2025-10-29. Review status: criteria provided, single submitter. Criteria: Invitae Variant Classification Sherloc (09022015). Collection method: clinical testing. Allele origin: germline.
Comment: This sequence change replaces tyrosine, which is neutral and polar, with cysteine, which is neutral and slightly polar, at codon 377 of the HNRNPDL protein (p.Tyr377Cys). This variant is not present in population databases (gnomAD no frequency). This missense change has been observed in individual(s) with clinical features of HNRNPDL-related conditions (PMID: 32528171). ClinVar contains an entry for this variant (Variation ID: 2997902). An algorithm developed to predict the effect of missense changes on protein structure and function (PolyPhen-2) suggests that this variant is likely to be tolerated. In summary, the available evidence is currently insufficient to determine the role of this variant in disease. Therefore, it has been classified as a Variant of Uncertain Significance.

Literature cited by the submitters: PubMed 32528171.